The following is an entry in ClinVar:

ClinVar aggregate classification (germline): Uncertain significance (1 of 4 stars; one submission).

Allele frequency attached by ClinVar (database versions not stated): gnomAD 0.00001; gnomAD exomes 0.00001; TOPMed 0.00002.
gnomAD v4.1: 11 of 1,559,942 alleles (0.00071%); highest among the groups gnomAD compares: Admixed American, 0.0019%; no homozygotes.

Submission:

Labcorp Genetics (formerly Invitae), Labcorp
Classification: Uncertain significance. Last evaluated: 2023-08-07. Review status: criteria provided, single submitter. Criteria: Invitae Variant Classification Sherloc (09022015). Collection method: clinical testing. Allele origin: germline.
Comment: In summary, the available evidence is currently insufficient to determine the role of this variant in disease. Therefore, it has been classified as a Variant of Uncertain Significance. An algorithm developed to predict the effect of missense changes on protein structure and function (PolyPhen-2) suggests that this variant is likely to be disruptive. This variant has not been reported in the literature in individuals affected with RASGRP1-related conditions. The frequency data for this variant in the population databases is considered unreliable, as metrics indicate poor data quality at this position in the gnomAD database. This sequence change replaces threonine, which is neutral and polar, with methionine, which is neutral and non-polar, at codon 414 of the RASGRP1 protein (p.Thr414Met).

NM_005739.4(RASGRP1):c.1241C>T (p.Thr414Met)

Gene: RASGRP1 (RAS guanyl releasing protein 1; minus strand). Cytogenetic location: 15q14.
Variant type: single nucleotide variant.
Coding change: c.1241C>T on transcript NM_005739.4 (MANE Select); coding-DNA position 1241, C replaced by T.
Protein change: p.Thr414Met; replaces threonine 414 with methionine.
Molecular consequence: missense variant.
Genome position (GRCh38, 1-based): chr15:38,507,727, G>A on the plus strand (C>T on the coding strand, the complement: RASGRP1 is on the minus strand). VCF-style: chr15-38507727-G-A. GRCh37 (hg19) VCF-style: chr15-38799928-G-A.
Other names: c.1241C>T, p.Thr414Met (NM_001128602.2, NM_001306086.2); short protein forms T414M.
Identifiers: ClinVar variation 2722005 (VCV002722005.3), dbSNP rs1463827499, ClinGen allele CA391665826.